The following is an entry in ClinVar:

NM_170707.4(LMNA):c.659G>A (p.Arg220His)

Gene: LMNA (lamin A/C; plus strand). Cytogenetic location: 1q22.
Variant type: single nucleotide variant.
Coding change: c.659G>A on transcript NM_170707.4 (MANE Select); coding-DNA position 659, G replaced by A.
Protein change: p.Arg220His; replaces arginine 220 with histidine.
Molecular consequence: missense variant.
Genome position (GRCh38, 1-based): chr1:156,134,824, G>A. VCF-style: chr1-156134824-G-A. GRCh37 (hg19) VCF-style: chr1-156104615-G-A.
Other names: c.323G>A, p.Arg108His (NM_001257374.3); c.416G>A, p.Arg139His (NM_001282624.2); c.659G>A, p.Arg220His (NM_001282625.2, NM_001282626.2, NM_005572.4 and 1 more transcripts); short protein forms R108H, R139H, R220H.
Identifiers: ClinVar variation 856653 (VCV000856653.17), dbSNP rs780066296, ClinGen allele CA054066.

ClinVar aggregate classification (germline): Conflicting classifications of pathogenicity. Review status: criteria provided, conflicting classifications (1 of 4 stars). 7 submissions from 7 submitters: Likely pathogenic (1); Uncertain significance (6). Last evaluated 2025-06-01.

Conditions:
Cardiovascular phenotype. Identifiers: MedGen CN230736.
Congenital muscular dystrophy due to LMNA mutation. Also called: Congenital muscular dystrophy, LMNA-related; Lamin A-related Congenital Muscular Dystrophy. Identifiers: Orphanet 157973, MedGen C2750785, MONDO:0013178, OMIM 613205.
Primary dilated cardiomyopathy (DCM). Also called: Dilated Cardiomyopathy. Identifiers: Orphanet 217604, MedGen C0007193, MeSH D002311, MONDO:0005021, HP:0001644. Inheritance: Various modes of inheritance.
Charcot-Marie-Tooth disease type 2. Also called: Charcot-Marie-Tooth type 2. Identifiers: Orphanet 64746, MedGen C0270914, MONDO:0018993.
Cardiomyopathy (CMYO). Also called: Cardiomyopathies. Identifiers: Orphanet 167848, MedGen C0878544, MONDO:0004994, HP:0001638. Inheritance: Various modes of inheritance.

Allele frequency attached by ClinVar (database versions not stated): gnomAD 0.00001 and 0.00002; gnomAD exomes 0.00001 and 0.00002; TOPMed 0.00001; ExAC 0.00002.
gnomAD v4.1: 17 of 1,614,206 alleles (0.0011%); highest among the groups gnomAD compares: Middle Eastern, 0.016%; no homozygotes.

Submissions (7):

Labcorp Genetics (formerly Invitae), Labcorp
Classification: Uncertain significance for Charcot-Marie-Tooth disease type 2. Last evaluated: 2025-06-01. Review status: criteria provided, single submitter. Criteria: Invitae Variant Classification Sherloc (09022015). Collection method: clinical testing. Allele origin: germline.
Comment: This sequence change replaces arginine, which is basic and polar, with histidine, which is basic and polar, at codon 220 of the LMNA protein (p.Arg220His). This variant is present in population databases (rs780066296, gnomAD 0.006%). This missense change has been observed in individual(s) with clinical features of LMNA-related disorders (PMID: 35284542, 36325899). ClinVar contains an entry for this variant (Variation ID: 856653). Invitae Evidence Modeling of protein sequence and biophysical properties (such as structural, functional, and spatial information, amino acid conservation, physicochemical variation, residue mobility, and thermodynamic stability) indicates that this missense variant is expected to disrupt LMNA protein function with a positive predictive value of 95%. In summary, the available evidence is currently insufficient to determine the role of this variant in disease. Therefore, it has been classified as a Variant of Uncertain Significance.

Color Diagnostics, LLC DBA Color Health
Classification: Uncertain significance for Cardiomyopathy. Last evaluated: 2024-06-17. Review status: criteria provided, single submitter. Criteria: ACMG Guidelines, 2015. Collection method: clinical testing. Allele origin: germline.
Comment: This missense variant replaces arginine with histidine at codon 220 of the lamin A/C proteins. Computational prediction tools indicate that this variant has a deleterious impact on protein structure and function. To our knowledge, functional studies have not been reported for this variant. This variant has been reported in individuals affected with dilated cardiomyopathy (PMID: 35284542; Garcia-Pavia et al. 2013, doi: 10.1093/eurheartj/eht309.P4234). It has also been reported in an individual affected with secondary amenorrhea (PMID: 32789750). This variant has been identified in 4/251376 chromosomes in the general population by the Genome Aggregation Database (gnomAD). The available evidence is insufficient to determine the role of this variant in disease conclusively. Therefore, this variant is classified as a Variant of Uncertain Significance.

Genomic Medicine Center of Excellence, King Faisal Specialist Hospital and Research Centre
Classification: Uncertain significance for Congenital muscular dystrophy due to LMNA mutation. Last evaluated: 2024-03-29. Review status: criteria provided, single submitter. Criteria: ACMG Guidelines, 2015. Collection method: clinical testing. Allele origin: germline.

Blueprint Genetics
Classification: Uncertain significance. Last evaluated: 2023-10-18. Review status: criteria provided, single submitter. Criteria: ACMG Guidelines, 2015. Collection method: clinical testing. Allele origin: germline.

All of Us Research Program, National Institutes of Health
Classification: Uncertain significance for Primary dilated cardiomyopathy. Last evaluated: 2023-07-10. Review status: criteria provided, single submitter. Criteria: ACMG Guidelines, 2015. Collection method: clinical testing. Allele origin: germline. Inheritance: Autosomal dominant inheritance. Observed: 2 variant alleles, 2 heterozygotes.
Comment: This missense variant replaces arginine with histidine at codon 220 of the lamin A/C proteins. Computational prediction suggests that this variant may have deleterious impact on protein structure and function (internally defined REVEL score threshold >= 0.7, PMID: 27666373). To our knowledge, functional studies have not been reported for this variant. This variant has been reported in individuals affected with dilated cardiomyopathy (PMID: 35284542; Garcia-Pavia et al. 2013, doi: 10.1093/eurheartj/eht309.P4234). It has also been reported in an individual affected with secondary amenorrhea (PMID: 32789750). This variant has been identified in 4/251376 chromosomes in the general population by the Genome Aggregation Database (gnomAD). The available evidence is insufficient to determine the role of this variant in disease conclusively. Therefore, this variant is classified as a Variant of Uncertain Significance.

This study involves interpretation of variants in research participants for the purpose of population health screening. Participant phenotype was not available at the time of variant classification. Additional details can be found in publication PMID: 35346344, PMCID: PMC8962531

GeneDx
Classification: Likely pathogenic. Last evaluated: 2022-05-23. Review status: criteria provided, single submitter. Criteria: GeneDx Variant Classification Process June 2021. Collection method: clinical testing. Allele origin: germline. Affected: yes.
Comment: Reported as a likely pathogenic variant in an individual with premature ovarian function decline, however additional clinical information was not provided (Tang et al., 2020); Not observed at significant frequency in large population cohorts (gnomAD); In silico analysis supports that this missense variant has a deleterious effect on protein structure/function; This variant is associated with the following publications: (PMID: 32789750, 10939567)

Ambry Genetics
Classification: Uncertain significance for Cardiovascular phenotype. Last evaluated: 2021-03-05. Review status: criteria provided, single submitter. Criteria: Ambry Variant Classification Scheme 2023. Collection method: clinical testing. Allele origin: germline.
Comment: The p.R220H variant (also known as c.659G>A), located in coding exon 4 of the LMNA gene, results from a G to A substitution at nucleotide position 659. The arginine at codon 220 is replaced by histidine, an amino acid with highly similar properties. Alterations affecting the same amino acid, p.R220C (c.658C>T) and p.R220G (c.658C>G), have been reported in association with LMNA-related disease (D&iacute;az-Manera J et al. Neuromuscul. Disord., 2016 Jan;26:33-40; Kumar S et al. J. Am. Coll. Cardiol., 2016 11;68:2299-2307). This amino acid position is highly conserved in available vertebrate species. In addition, the in silico prediction for this alteration is inconclusive. Since supporting evidence is limited at this time, the clinical significance of this alteration remains unclear.

Literature cited by the submitters: PubMed 35284542 (cited by 3 submitters); PubMed 36325899 (cited by Labcorp Genetics (formerly Invitae), Labcorp); PubMed 32789750 (cited by 3 submitters); PubMed 27884249 (cited by Ambry Genetics).